The following is an entry in ClinVar:

NM_004407.4(DMP1):c.1267G>T (p.Glu423Ter)

Genes: DMP1 (dentin matrix acidic phosphoprotein 1; plus strand), DMP1-AS1 (DMP1 and DSPP antisense RNA 1; minus strand). Cytogenetic location: 4q22.1.
Variant type: single nucleotide variant.
Coding change: c.1267G>T on transcript NM_004407.4 (MANE Select); coding-DNA position 1267, G replaced by T.
Protein change: p.Glu423Ter; replaces glutamic acid 423 with a stop codon.
Molecular consequence: nonsense.
Genome position (GRCh38, 1-based): chr4:87,663,045, G>T. VCF-style: chr4-87663045-G-T. GRCh37 (hg19) VCF-style: chr4-88584197-G-T.
Other names: c.1219G>T, p.Glu407Ter (NM_001079911.3); short protein forms E423*, E407*.
Identifiers: ClinVar variation 947058 (VCV000947058.7), dbSNP rs1728970041, ClinGen allele CA357701229.

ClinVar aggregate classification (germline): Uncertain significance (1 of 4 stars; one submission).

Submission:

Labcorp Genetics (formerly Invitae), Labcorp
Classification: Uncertain significance. Last evaluated: 2022-02-03. Review status: criteria provided, single submitter. Criteria: Invitae Variant Classification Sherloc (09022015). Collection method: clinical testing. Allele origin: germline.
Comment: In summary, the available evidence is currently insufficient to determine the role of this variant in disease. Therefore, it has been classified as a Variant of Uncertain Significance. Experimental studies and prediction algorithms are not available or were not evaluated, and the functional significance of this variant is currently unknown. This sequence change creates a premature translational stop signal (p.Glu423*) in the DMP1 gene. While this is not anticipated to result in nonsense mediated decay, it is expected to disrupt the last 91 amino acid(s) of the DMP1 protein. ClinVar contains an entry for this variant (Variation ID: 947058). This variant has not been reported in the literature in individuals affected with DMP1-related conditions. This variant is not present in population databases (gnomAD no frequency).